The following is an entry in ClinVar:

NM_005219.5(DIAPH1):c.2183C>T (p.Pro728Leu)

Gene: DIAPH1 (diaphanous related formin 1; minus strand). Cytogenetic location: 5q31.3.
Variant type: single nucleotide variant.
Coding change: c.2183C>T on transcript NM_005219.5 (MANE Select); coding-DNA position 2183, C replaced by T.
Protein change: p.Pro728Leu; replaces proline 728 with leucine.
Molecular consequence: missense variant.
Genome position (GRCh38, 1-based): chr5:141,573,667, G>A on the plus strand (C>T on the coding strand, the complement: DIAPH1 is on the minus strand). VCF-style: chr5-141573667-G-A. GRCh37 (hg19) VCF-style: chr5-140953234-G-A.
Other names: c.2156C>T, p.Pro719Leu (NM_001079812.3); c.2183C>T, p.Pro728Leu (NM_001314007.2); short protein forms P719L, P728L.
Identifiers: ClinVar variation 1388236 (VCV001388236.8), dbSNP rs2154596280, ClinGen allele CA361517468.
Genomic context (GRCh38, chr5:141,573,667, plus strand): 5'-GGCATACCCATTCCGGGTGGAGGTGGAGGAATGCCAGGGCCTCCGGGAAATGGAGGAGGT[G>A]GAGGGATTCCAGGACCACCAGGAAGAGGGGGAGGAGGAGGTGGCATTCCTGCTTCTCCAG-3'
Protein context (NP_005210.3, residues 718-738): PPLPGGPGIP[Pro728Leu]PPPFPGGPGI

ClinVar aggregate classification (germline): Uncertain significance (1 of 4 stars; one submission).

Conditions:
Autosomal dominant nonsyndromic hearing loss 1. Also called: DEAFNESS, AUTOSOMAL DOMINANT 1, WITH OR WITHOUT THROMBOCYTOPENIA; KONIGSMARK SYNDROME. Identifiers: Orphanet 90635, MedGen C1852282, MONDO:0007424, OMIM 124900.
Progressive microcephaly-seizures-cortical blindness-developmental delay syndrome. Also called: Seizures, cortical blindness, and microcephaly syndrome. Identifiers: Orphanet 477814, MedGen C5567650, MONDO:0014714, OMIM 616632.

gnomAD v4.1: 1 of 1,611,482 alleles (0.000062%); highest among the groups gnomAD compares: Non-Finnish European, 0.000085%; no homozygotes.

Submission:

Labcorp Genetics (formerly Invitae), Labcorp
Classification: Uncertain significance for Progressive microcephaly-seizures-cortical blindness-developmental delay syndrome; Autosomal dominant nonsyndromic hearing loss 1. Last evaluated: 2021-06-13. Review status: criteria provided, single submitter. Criteria: Invitae Variant Classification Sherloc (09022015). Collection method: clinical testing. Allele origin: germline.
Comment: This sequence change replaces proline with leucine at codon 728 of the DIAPH1 protein (p.Pro728Leu). The proline residue is weakly conserved and there is a moderate physicochemical difference between proline and leucine. This variant is not present in population databases (ExAC no frequency). This variant has not been reported in the literature in individuals with DIAPH1-related conditions. Algorithms developed to predict the effect of missense changes on protein structure and function are either unavailable or do not agree on the potential impact of this missense change (SIFT: "Tolerated"; PolyPhen-2: "Not Available"; Align-GVGD: "Class C0"). In summary, the available evidence is currently insufficient to determine the role of this variant in disease. Therefore, it has been classified as a Variant of Uncertain Significance.